The following is an entry in ClinVar:

ClinVar aggregate classification (germline): Uncertain significance. Review status: criteria provided, multiple submitters, no conflicts (2 of 4 stars). 2 submissions from 2 submitters: Uncertain significance (2). Last evaluated 2025-09-25.

Conditions:
Inborn genetic diseases. Identifiers: MedGen C0950123, MeSH D030342.

gnomAD v4.1: 1 of 1,612,730 alleles (0.000062%); highest among the groups gnomAD compares: African/African-American, 0.0013%; no homozygotes.

Submissions (2):

Ambry Genetics
Classification: Uncertain significance for Inborn genetic diseases. Last evaluated: 2025-09-25. Review status: criteria provided, single submitter. Criteria: Ambry Variant Classification Scheme 2023. Collection method: clinical testing. Allele origin: germline.

GeneDx
Classification: Uncertain significance. Last evaluated: 2024-08-18. Review status: criteria provided, single submitter. Criteria: GeneDx Variant Classification Process June 2021. Collection method: clinical testing. Allele origin: germline. Affected: yes.
Comment: Not observed at significant frequency in large population cohorts (gnomAD); In silico analysis indicates that this missense variant does not alter protein structure/function; Has not been previously published as pathogenic or benign to our knowledge

NM_014915.3(ANKRD26):c.1084C>T (p.Pro362Ser)

Gene: ANKRD26 (ankyrin repeat domain 26; minus strand). Cytogenetic location: 10p12.1.
Variant type: single nucleotide variant.
Coding change: c.1084C>T on transcript NM_014915.3 (MANE Select); coding-DNA position 1084, C replaced by T.
Protein change: p.Pro362Ser; replaces proline 362 with serine.
Molecular consequence: missense variant.
Genome position (GRCh38, 1-based): chr10:27,067,280, G>A on the plus strand (C>T on the coding strand, the complement: ANKRD26 is on the minus strand). VCF-style: chr10-27067280-G-A. GRCh37 (hg19) VCF-style: chr10-27356209-G-A.
Other names: c.1084C>T, p.Pro362Ser (NM_001256053.2); short protein forms P362S.
Identifiers: ClinVar variation 3764275 (VCV003764275.3).